The following is an entry in ClinVar:

ClinVar aggregate classification (germline): Likely pathogenic (1 of 4 stars; one submission).

Conditions:
Seizures, benign familial infantile, 3 (BFIS3). Also called: CONVULSIONS, BENIGN FAMILIAL INFANTILE, 3; Familial neonatal seizures. Identifiers: Orphanet 140927, Orphanet 306, MedGen C1843140, MONDO:0011904, OMIM 607745.
Developmental and epileptic encephalopathy, 11 (DEE11). Also called: Early infantile epileptic encephalopathy 11. Identifiers: Orphanet 1934, MedGen C3150987, MONDO:0013388, OMIM 613721.

Submission:

Labcorp Genetics (formerly Invitae), Labcorp
Classification: Likely pathogenic for Seizures, benign familial infantile, 3; Developmental and epileptic encephalopathy, 11. Last evaluated: 2022-01-03. Review status: criteria provided, single submitter. Criteria: Invitae Variant Classification Sherloc (09022015). Collection method: clinical testing. Allele origin: germline.
Comment: Algorithms developed to predict the effect of missense changes on protein structure and function are either unavailable or do not agree on the potential impact of this missense change (SIFT: "Deleterious"; PolyPhen-2: "Probably Damaging"; Align-GVGD: "Class C15"). In summary, the currently available evidence indicates that the variant is pathogenic, but additional data are needed to prove that conclusively. Therefore, this variant has been classified as Likely Pathogenic. This missense change has been observed in individual(s) with clinical features of SCN2A-related conditions (Invitae). In at least one individual the variant was observed to be de novo. This variant is not present in population databases (gnomAD no frequency). This sequence change replaces asparagine, which is neutral and polar, with tyrosine, which is neutral and polar, at codon 1357 of the SCN2A protein (p.Asn1357Tyr).

NM_001040142.2(SCN2A):c.4069A>T (p.Asn1357Tyr)

Gene: SCN2A (sodium voltage-gated channel alpha subunit 2; plus strand). Cytogenetic location: 2q24.3.
Variant type: single nucleotide variant.
Coding change: c.4069A>T on transcript NM_001040142.2 (MANE Select); coding-DNA position 4069, A replaced by T.
Protein change: p.Asn1357Tyr; replaces asparagine 1357 with tyrosine.
Molecular consequence: missense variant.
Genome position (GRCh38, 1-based): chr2:165,374,781, A>T. VCF-style: chr2-165374781-A-T. GRCh37 (hg19) VCF-style: chr2-166231291-A-T.
Other names: c.4069A>T, p.Asn1357Tyr (NM_001040143.2, NM_001371246.1, NM_001371247.1 and 1 more transcripts); short protein forms N1357Y.
Identifiers: ClinVar variation 1434531 (VCV001434531.6), dbSNP rs2105373101, ClinGen allele CA349030621.
Genomic context (GRCh38, chr2:165,374,781, plus strand): 5'-ATCATGAATGTACTTCTGGTTTGTCTGATCTTTTGGCTAATATTCAGTATCATGGGAGTG[A>T]ATCTCTTTGCTGGCAAGTTTTACCATTGTATTAATTACACCACTGGAGAGATGTTTGATG-3'
Protein context (NP_001035232.1, residues 1347-1367): FWLIFSIMGV[Asn1357Tyr]LFAGKFYHCI